The following is an entry in ClinVar:

ClinVar aggregate classification (germline): Benign (1 of 4 stars; one submission).

Conditions:
Agenesis of the corpus callosum with peripheral neuropathy (ACCPN). Also called: Hereditary Motor and Sensory Neuropathy with Agenesis of the Corpus Callosum; CHARLEVOIX DISEASE; POLYNEUROPATHY, SENSORIMOTOR, WITH OR WITHOUT AGENESIS OF THE CORPUS CALLOSUM; HMSN/ACC. Identifiers: Orphanet 1496, MedGen C0795950, MONDO:0000902, OMIM 218000. Disease mechanism: loss of function.

Allele frequency attached by ClinVar (database versions not stated): gnomAD 0.00536 and 0.00563; TOPMed 0.00591; 1000 Genomes Project 0.00859; 1000 Genomes Project 30x 0.00890.

Submission:

Illumina Laboratory Services, Illumina
Classification: Benign for Agenesis of the corpus callosum with peripheral neuropathy. Last evaluated: 2018-01-12. Review status: criteria provided, single submitter. Criteria: ICSL Variant Classification Criteria 13 December 2019. Collection method: clinical testing. Allele origin: germline.
Comment: This variant was observed in the ICSL laboratory as part of a predisposition screen in an ostensibly healthy population. It had not been previously curated by ICSL or reported in the Human Gene Mutation Database (HGMD: prior to June 1st, 2018), and was therefore a candidate for classification through an automated scoring system. Utilizing variant allele frequency, disease prevalence and penetrance estimates, and inheritance mode, an automated score was calculated to assess if this variant is too frequent to cause the disease. Based on the score and internal cut-off values, a variant classified as benign is not then subjected to further curation. The score for this variant resulted in a classification of benign for this disease.

NM_001365088.1(SLC12A6):c.*2369C>T

Gene: SLC12A6 (solute carrier family 12 member 6; minus strand). Cytogenetic location: 15q14.
Variant type: single nucleotide variant.
Coding change: c.*2369C>T on transcript NM_001365088.1 (MANE Select); 2369 bases downstream of the stop codon, C replaced by T.
Molecular consequence: 3 prime UTR variant.
Genome position (GRCh38, 1-based): chr15:34,231,512, G>A on the plus strand (C>T on the coding strand, the complement: SLC12A6 is on the minus strand). VCF-style: chr15-34231512-G-A. GRCh37 (hg19) VCF-style: chr15-34523713-G-A.
Other names: c.*2369C>T (NM_001042494.2, NM_001042495.2, NM_001042496.2 and 3 more transcripts).
Identifiers: ClinVar variation 884553 (VCV000884553.4), dbSNP rs148928495, ClinGen allele CA268651153.